The following is an entry in ClinVar:

NM_153603.4(COG7):c.1058A>G (p.Asp353Gly)

Gene: COG7 (component of oligomeric golgi complex 7; minus strand). Cytogenetic location: 16p12.2.
Variant type: single nucleotide variant.
Coding change: c.1058A>G on transcript NM_153603.4 (MANE Select); coding-DNA position 1058, A replaced by G.
Protein change: p.Asp353Gly; replaces aspartic acid 353 with glycine.
Molecular consequence: missense variant.
Genome position (GRCh38, 1-based): chr16:23,418,779, T>C on the plus strand (A>G on the coding strand, the complement: COG7 is on the minus strand). VCF-style: chr16-23418779-T-C. GRCh37 (hg19) VCF-style: chr16-23430100-T-C.
Other names: short protein forms D353G.
Identifiers: ClinVar variation 2125704 (VCV002125704.4), dbSNP rs2506604116, ClinGen allele CA395120487.

ClinVar aggregate classification (germline): Uncertain significance (1 of 4 stars; one submission).

Conditions:
COG7 congenital disorder of glycosylation (CDG2E). Also called: CONGENITAL DISORDER OF GLYCOSYLATION, TYPE IIe; CDG IIe. Identifiers: Orphanet 79333, MedGen C2931010, MONDO:0012118, OMIM 608779.

Submission:

Labcorp Genetics (formerly Invitae), Labcorp
Classification: Uncertain significance for COG7 congenital disorder of glycosylation. Last evaluated: 2024-10-22. Review status: criteria provided, single submitter. Criteria: Invitae Variant Classification Sherloc (09022015). Collection method: clinical testing. Allele origin: germline.
Comment: This sequence change replaces aspartic acid, which is acidic and polar, with glycine, which is neutral and non-polar, at codon 353 of the COG7 protein (p.Asp353Gly). This variant is not present in population databases (gnomAD no frequency). This variant has not been reported in the literature in individuals affected with COG7-related conditions. ClinVar contains an entry for this variant (Variation ID: 2125704). Invitae Evidence Modeling of protein sequence and biophysical properties (such as structural, functional, and spatial information, amino acid conservation, physicochemical variation, residue mobility, and thermodynamic stability) indicates that this missense variant is not expected to disrupt COG7 protein function with a negative predictive value of 80%. In summary, the available evidence is currently insufficient to determine the role of this variant in disease. Therefore, it has been classified as a Variant of Uncertain Significance.